The following is an entry in ClinVar:

ClinVar aggregate classification (germline): Uncertain significance. Review status: criteria provided, multiple submitters, no conflicts (2 of 4 stars). 2 submissions from 2 submitters: Uncertain significance (2). Last evaluated 2026-01-04.

Conditions:
Developmental delay, hypotonia, musculoskeletal defects, and behavioral abnormalities. Identifiers: MedGen C5562012, MONDO:0859202, OMIM 619595.
Floating-Harbor syndrome (FLHS). Also called: SRCAP-Related Floating-Harbor Syndrome; Short stature with delayed bone age, expressive language delay, a triangular face with a prominent nose and deep-set eyes; Pelletier-Leisti syndrome. Identifiers: Orphanet 2044, MedGen C0729582, MONDO:0007621, OMIM 136140.

gnomAD v4.1: 4 of 1,610,656 alleles (0.00025%); highest among the groups gnomAD compares: Non-Finnish European, 0.00034%; no homozygotes.

Submissions (2):

Labcorp Genetics (formerly Invitae), Labcorp
Classification: Uncertain significance. Last evaluated: 2026-01-04. Review status: criteria provided, single submitter. Criteria: Invitae Variant Classification Sherloc (09022015). Collection method: clinical testing. Allele origin: germline.
Comment: This sequence change replaces alanine, which is neutral and non-polar, with valine, which is neutral and non-polar, at codon 2453 of the SRCAP protein (p.Ala2453Val). This variant is not present in population databases (gnomAD no frequency). This variant has not been reported in the literature in individuals affected with SRCAP-related conditions. ClinVar contains an entry for this variant (Variation ID: 3580208). Invitae Evidence Modeling of protein sequence and biophysical properties (such as structural, functional, and spatial information, amino acid conservation, physicochemical variation, residue mobility, and thermodynamic stability) indicates that this missense variant is not expected to disrupt SRCAP protein function with a negative predictive value of 80%. Algorithms developed to predict the effect of sequence changes on RNA splicing suggest that this variant may create or strengthen a splice site. In summary, the available evidence is currently insufficient to determine the role of this variant in disease. Therefore, it has been classified as a Variant of Uncertain Significance.

Fulgent Genetics
Classification: Uncertain significance for Floating-Harbor syndrome; Developmental delay, hypotonia, musculoskeletal defects, and behavioral abnormalities. Last evaluated: 2024-01-23. Review status: criteria provided, single submitter. Criteria: ACMG Guidelines, 2015. Collection method: clinical testing. Allele origin: germline.

NM_006662.3(SRCAP):c.7358C>T (p.Ala2453Val)

Gene: SRCAP (Snf2 related CREBBP activator protein; plus strand). Cytogenetic location: 16p11.2.
Variant type: single nucleotide variant.
Coding change: c.7358C>T on transcript NM_006662.3 (MANE Select); coding-DNA position 7358, C replaced by T.
Protein change: p.Ala2453Val; replaces alanine 2453 with valine.
Molecular consequence: missense variant.
Genome position (GRCh38, 1-based): chr16:30,737,398, C>T. VCF-style: chr16-30737398-C-T. GRCh37 (hg19) VCF-style: chr16-30748719-C-T.
Other names: short protein forms A2453V.
Identifiers: ClinVar variation 3580208 (VCV003580208.2).